The following is an entry in ClinVar:

NM_014780.5(CUL7):c.1542G>T (p.Gln514His)

Gene: CUL7 (cullin 7; minus strand). Cytogenetic location: 6p21.1.
Variant type: single nucleotide variant.
Coding change: c.1542G>T on transcript NM_014780.5 (MANE Select); coding-DNA position 1542, G replaced by T.
Protein change: p.Gln514His; replaces glutamine 514 with histidine.
Molecular consequence: missense variant.
Genome position (GRCh38, 1-based): chr6:43,049,990, C>A on the plus strand (G>T on the coding strand, the complement: CUL7 is on the minus strand). VCF-style: chr6-43049990-C-A. GRCh37 (hg19) VCF-style: chr6-43017728-C-A.
Other names: c.1638G>T, p.Gln546His (NM_001168370.2, NM_001374872.1); c.1542G>T, p.Gln514His (NM_001374873.1, NM_001374874.1); short protein forms Q514H, Q546H.
Identifiers: ClinVar variation 198212 (VCV000198212.20), dbSNP rs146808129, ClinGen allele CA203314.

ClinVar aggregate classification (germline): Benign/Likely benign. Review status: criteria provided, multiple submitters, no conflicts (2 of 4 stars). 4 submissions from 4 submitters: Benign (3); Likely benign (1). Last evaluated 2026-01-28.

Conditions:
3M syndrome 1. Also called: 3-M Syndrome, CUL7-Related. Identifiers: Orphanet 2616, MedGen C2678312, MONDO:0010117, OMIM 273750.

Allele frequency attached by ClinVar (database versions not stated): gnomAD 0.00036 and 0.00050; TOPMed 0.00084; 1000 Genomes Project 30x 0.00312; 1000 Genomes Project 0.00339; ExAC 0.00103; gnomAD exomes 0.00115.
gnomAD v4.1: 479 of 1,614,158 alleles (0.03%); highest among the groups gnomAD compares: East Asian, 0.93%; 10 homozygotes.

Submissions (4):

Labcorp Genetics (formerly Invitae), Labcorp
Classification: Benign. Last evaluated: 2026-01-28. Review status: criteria provided, single submitter. Criteria: Invitae Variant Classification Sherloc (09022015). Collection method: clinical testing. Allele origin: germline.

Fulgent Genetics
Classification: Likely benign for 3M syndrome 1. Last evaluated: 2021-12-28. Review status: criteria provided, single submitter. Criteria: ACMG Guidelines, 2015. Collection method: clinical testing. Allele origin: unknown.

Illumina Laboratory Services, Illumina
Classification: Benign for 3M syndrome 1. Last evaluated: 2018-01-13. Review status: criteria provided, single submitter. Criteria: ICSL Variant Classification Criteria 13 December 2019. Collection method: clinical testing. Allele origin: germline.
Comment: This variant was observed in the ICSL laboratory as part of a predisposition screen in an ostensibly healthy population. It had not been previously curated by ICSL or reported in the Human Gene Mutation Database (HGMD: prior to June 1st, 2018), and was therefore a candidate for classification through an automated scoring system. Utilizing variant allele frequency, disease prevalence and penetrance estimates, and inheritance mode, an automated score was calculated to assess if this variant is too frequent to cause the disease. Based on the score and internal cut-off values, a variant classified as benign is not then subjected to further curation. The score for this variant resulted in a classification of benign for this disease.

Eurofins Ntd Llc (ga)
Classification: Benign. Last evaluated: 2015-02-16. Review status: criteria provided, single submitter. Criteria: EGL Classification Definitions 2015. Collection method: clinical testing. Allele origin: germline. Observed: 1 variant allele, 1 heterozygote.